The following is an entry in ClinVar:

ClinVar aggregate classification (germline): Pathogenic/Likely pathogenic. Review status: criteria provided, multiple submitters, no conflicts (2 of 4 stars). 5 submissions from 5 submitters: Pathogenic (1); Likely pathogenic (3). 1 of the submissions does not count toward it. Last evaluated 2025-11-14.

Conditions:
Primary hypomagnesemia (HOMG3). Also called: HYPOMAGNESEMIA 3, RENAL; HYPOMAGNESEMIA, FAMILIAL, WITH HYPERCALCIURIA AND NEPHROCALCINOSIS; HYPOMAGNESEMIA, ISOLATED RENAL; HYPOMAGNESEMIA, PRIMARY, DUE TO DEFECT IN RENAL TUBULAR TRANSPORT OF MAGNESIUM. Identifiers: Orphanet 31043, MedGen C0268448, MONDO:0009550, OMIM 248250.

Allele frequency attached by ClinVar (database versions not stated): TOPMed below 0.00001.
gnomAD v4.1: 3 of 1,613,766 alleles (0.00019%); highest among the groups gnomAD compares: Non-Finnish European, 0.00025%; no homozygotes.

Submissions (5):

3billion
Classification: Likely pathogenic for Primary hypomagnesemia. Last evaluated: 2025-11-14. Review status: criteria provided, single submitter. Criteria: ACMG Guidelines, 2015. Collection method: clinical testing. Allele origin: germline. Affected: yes.
Comment: The variant is observed at an extremely low frequency in the gnomAD v4.1.0 dataset (total allele frequency: <0.001%). Predicted Consequence/Location: Missense variant In silico tool predictions suggest damaging effect of the variant on gene or gene product [REVEL: 0.87 (>=0.6, sensitivity 0.68 and specificity 0.92); 3Cnet: 0.83 (> 0.75, sensitivity 0.96 and precision 0.92)]. The same nucleotide change resulting in the same amino acid change has been previously reported as pathogenic/likely pathogenic with strong evidence (ClinVar ID: VCV000005928 /PMID: 10390358). Different missense changes at the same codon (p.Gly128Ala, p.Gly128Arg) have been reported to be associated with CLDN16-related disorder (ClinVar ID: VCV000802037 /PMID: 11518780, 31119091). Therefore, this variant is classified as Likely pathogenic according to the recommendation of ACMG/AMP guideline.

Mayo Clinic Laboratories, Mayo Clinic
Classification: Pathogenic. Last evaluated: 2025-09-11. Review status: criteria provided, single submitter. Criteria: ACMG Guidelines, 2015. Collection method: clinical testing. Allele origin: germline. Observed: 1 variant allele.
Comment: PM2_supporting, PM5, PS3, PVS1

Labcorp Genetics (formerly Invitae), Labcorp
Classification: Likely pathogenic. Last evaluated: 2024-08-08. Review status: criteria provided, single submitter. Criteria: Invitae Variant Classification Sherloc (09022015). Collection method: clinical testing. Allele origin: germline.
Comment: This sequence change replaces glycine, which is neutral and non-polar, with aspartic acid, which is acidic and polar, at codon 198 of the CLDN16 protein (p.Gly198Asp). This variant is present in population databases (rs104893723, gnomAD 0.0009%). This missense change has been observed in individuals with CLDN16-related conditions (PMID: 10390358, 10878661). ClinVar contains an entry for this variant (Variation ID: 5928). An algorithm developed to predict the effect of missense changes on protein structure and function (PolyPhen-2) suggests that this variant is likely to be disruptive. Experimental studies have shown that this missense change affects CLDN16 function (PMID: 16234325, 31273276). Studies have shown that this missense change alters mRNA splicing and is expected to lead to the loss of protein expression (PMID: 30621608). This variant disrupts the p.Gly198 amino acid residue in CLDN16. Other variant(s) that disrupt this residue have been observed in individuals with CLDN16-related conditions (PMID: 31119091), which suggests that this may be a clinically significant amino acid residue. In summary, the currently available evidence indicates that the variant is pathogenic, but additional data are needed to prove that conclusively. Therefore, this variant has been classified as Likely Pathogenic.

Fulgent Genetics
Classification: Likely pathogenic for Primary hypomagnesemia. Last evaluated: 2021-11-21. Review status: criteria provided, single submitter. Criteria: ACMG Guidelines, 2015. Collection method: clinical testing. Allele origin: unknown.

OMIM
Classification: Pathogenic for HYPOMAGNESEMIA 3, RENAL. Last evaluated: 1999-07-02. Review status: no assertion criteria provided. Collection method: literature only. Allele origin: germline. Not counted in ClinVar's aggregate classification.

Literature cited by the submitters: PubMed 11518780 (cited by 3billion); PubMed 10390358 (cited by 4 submitters); PubMed 16234325 (cited by Mayo Clinic Laboratories, Mayo Clinic and Labcorp Genetics (formerly Invitae), Labcorp); PubMed 30621608 (cited by Mayo Clinic Laboratories, Mayo Clinic and Labcorp Genetics (formerly Invitae), Labcorp); PubMed 10878661 (cited by Labcorp Genetics (formerly Invitae), Labcorp); PubMed 31273276 (cited by Labcorp Genetics (formerly Invitae), Labcorp); PubMed 31119091 (cited by Labcorp Genetics (formerly Invitae), Labcorp).

NM_006580.4(CLDN16):c.383G>A (p.Gly128Asp)

Gene: CLDN16 (claudin 16; plus strand). Cytogenetic location: 3q28.
Variant type: single nucleotide variant.
Coding change: c.383G>A on transcript NM_006580.4 (MANE Select); coding-DNA position 383, G replaced by A.
Protein change: p.Gly128Asp; replaces glycine 128 with aspartic acid.
Molecular consequence: missense variant.
Genome position (GRCh38, 1-based): chr3:190,408,314, G>A. VCF-style: chr3-190408314-G-A. GRCh37 (hg19) VCF-style: chr3-190126103-G-A.
Other names: G198D; c.383G>A, p.Gly128Asp (NM_001378492.1, NM_001378493.1); c.593G>A (NM_006580.3); short protein forms G128D.
Identifiers: ClinVar variation 5928 (VCV000005928.6), dbSNP rs104893723, ClinGen allele CA117861.